The following is an entry in ClinVar:

NM_001367624.2(ZNF469):c.5144G>A (p.Arg1715Lys)

Gene: ZNF469 (zinc finger protein 469; plus strand). Cytogenetic location: 16q24.2.
Variant type: single nucleotide variant.
Coding change: c.5144G>A on transcript NM_001367624.2 (MANE Select); coding-DNA position 5144, G replaced by A.
Protein change: p.Arg1715Lys; replaces arginine 1715 with lysine.
Molecular consequence: missense variant.
Genome position (GRCh38, 1-based): chr16:88,432,614, G>A. VCF-style: chr16-88432614-G-A. GRCh37 (hg19) VCF-style: chr16-88499022-G-A.
Other names: NM_001127464.1:c.5060G>A; NM_001127464.2:c.5060G>A; short protein forms R1715K.
Identifiers: ClinVar variation 126943 (VCV000126943.17), dbSNP rs281865149, ClinGen allele CA151325.
Genomic context (GRCh38, chr16:88,432,614, plus strand): 5'-AGCCAGTGCAGAAAGCCGGAGCCTCCAAGACTGGACTTTGCCAGGCAGAAGGAGACAGCA[G>A]GCCCCCCCAAGATGTCTGCCTGCCTGAGCCCAGCAAGCAGCCTGGCCCACAGCTGGATGC-3'
Protein context (NP_001354553.1, residues 1705-1725): TGLCQAEGDS[Arg1715Lys]PPQDVCLPEP

ClinVar aggregate classification (germline): Conflicting classifications of pathogenicity. Review status: criteria provided, conflicting classifications (1 of 4 stars). 8 submissions from 8 submitters: Uncertain significance (6); Benign (1). 1 of the submissions does not count toward it. Last evaluated 2026-10-06.

Conditions:
Cardiovascular phenotype. Identifiers: MedGen CN230736.
ZNF469-related disorder. Also called: ZNF469-related condition.
Keratoconus 1 (KTCN1). Identifiers: MedGen C1835677, MONDO:0007851, OMIM 148300.
Ehlers-Danlos syndrome (EDS). Identifiers: Orphanet 98249, MedGen C0013720, MONDO:0020066.
Brittle cornea syndrome 1 (BCS1). Also called: CORNEAL FRAGILITY, KERATOGLOBUS, BLUE SCLERAE, JOINT HYPEREXTENSIBILITY; EDS6B; FRAGILITAS OCULI WITH JOINT HYPEREXTENSIBILITY; DYSGENESIS MESODERMALIS CORNEAE ET SCLERAE; Corneal fragility keratoglobus, blue sclerae AND joint hypermobility. Identifiers: Orphanet 90354, MedGen C0268344, MONDO:0024543, OMIM 229200.

Allele frequency attached by ClinVar (database versions not stated): ExAC 0.00010; TOPMed 0.00014; gnomAD exomes 0.00014 and 0.00012; gnomAD 0.00015 and 0.00017.

Submissions (8):

GeneDx
Classification: Uncertain significance. Last evaluated: 2026-10-06. Review status: criteria provided, single submitter. Criteria: GeneDx Variant Classification Process June 2021. Collection method: clinical testing. Allele origin: germline.
Comment: In silico analysis suggests that this missense variant does not alter protein structure/function; Has been reported in a patient with isolated keratoconus (PMID: 24895405); This variant is associated with the following publications: (PMID: 24895405)

PreventionGenetics, part of Exact Sciences
Classification: Uncertain significance for ZNF469-related condition. Last evaluated: 2026-05-26. Review status: criteria provided, single submitter. Criteria: ACMG Guidelines, 2015. Collection method: clinical testing. Allele origin: germline.
Comment: The ZNF469 c.5060G>A variant is predicted to result in the amino acid substitution p.Arg1687Lys. This variant has been observed in an individual with keratoconus (Table S2, Lechner et al. 2014. PubMed ID: 24895405). This variant is reported in 0.029% of alleles in individuals of European (Non-Finnish) descent in gnomAD. At this time, the clinical significance of this variant is uncertain due to the absence of conclusive functional and genetic evidence.

Women's Health and Genetics/Laboratory Corporation of America, LabCorp
Classification: Uncertain significance. Last evaluated: 2025-10-29. Review status: criteria provided, single submitter. Criteria: LabCorp Variant Classification Summary - May 2015. Collection method: clinical testing. Allele origin: germline.
Comment: Variant summary: ZNF469 c.5144G>A (p.Arg1715Lys) results in a conservative amino acid change in the encoded protein sequence. Algorithms developed to predict the effect of missense changes on protein structure and function all suggest that this variant is likely to be tolerated. The variant allele was found at a frequency of 0.00014 in 153820 control chromosomes. This frequency is not significantly higher than estimated for disease-causing variants in ZNF469, allowing no conclusion about variant significance. c.5144G>A has been observed in individual(s) affected with keratoconus (example: Lechner_2014). These report(s) do not provide unequivocal conclusions about association of the variant with Brittle cornea syndrome 1. To our knowledge, no experimental evidence demonstrating an impact on protein function has been reported. The following publication has been ascertained in the context of this evaluation (PMID: 24895405). ClinVar contains an entry for this variant (Variation ID: 126943). Based on the evidence outlined above, the variant was classified as uncertain significance.

Ambry Genetics
Classification: Benign for Cardiovascular phenotype. Last evaluated: 2024-12-24. Review status: criteria provided, single submitter. Criteria: Ambry Variant Classification Scheme 2023. Collection method: clinical testing. Allele origin: germline.

Labcorp Genetics (formerly Invitae), Labcorp
Classification: Uncertain significance. Last evaluated: 2022-06-20. Review status: criteria provided, single submitter. Criteria: Invitae Variant Classification Sherloc (09022015). Collection method: clinical testing. Allele origin: germline.
Comment: This sequence change replaces arginine, which is basic and polar, with lysine, which is basic and polar, at codon 1687 of the ZNF469 protein (p.Arg1687Lys). This variant is present in population databases (rs281865149, gnomAD 0.03%). This missense change has been observed in individual(s) with keratoconus (PMID: 24895405). ClinVar contains an entry for this variant (Variation ID: 126943). Algorithms developed to predict the effect of missense changes on protein structure and function (SIFT, PolyPhen-2, Align-GVGD) all suggest that this variant is likely to be tolerated. In summary, the available evidence is currently insufficient to determine the role of this variant in disease. Therefore, it has been classified as a Variant of Uncertain Significance.

Fulgent Genetics
Classification: Uncertain significance for Brittle cornea syndrome 1. Last evaluated: 2021-10-05. Review status: criteria provided, single submitter. Criteria: ACMG Guidelines, 2015. Collection method: clinical testing. Allele origin: unknown.

Genome Diagnostics Laboratory, The Hospital for Sick Children
Classification: Uncertain significance for Ehlers-Danlos syndrome. Last evaluated: 2019-10-01. Review status: criteria provided, single submitter. Criteria: ACMG Guidelines, 2015. Collection method: clinical testing. Allele origin: germline.

Willoughby Group, Queen's University Belfast
Classification: Likely pathogenic for Keratoconus 1. Review status: no assertion criteria provided. Collection method: not provided. Allele origin: germline. Not counted in ClinVar's aggregate classification.
ClinVar note: Converted during submission from probable-pathogenic to Likely pathogenic.

Literature cited by the submitters: PubMed 24895405 (cited by 3 submitters).